The following is an entry in ClinVar:

ClinVar aggregate classification (germline): Uncertain significance (1 of 4 stars; one submission).

Conditions:
Epilepsy, progressive myoclonic, 1B. Also called: PME. Identifiers: Orphanet 308, MedGen C2676254, MONDO:0012904, OMIM 612437.

Allele frequency attached by ClinVar (database versions not stated): ExAC 0.00001.
gnomAD v4.1: 9 of 1,614,146 alleles (0.00056%); highest among the groups gnomAD compares: South Asian, 0.0088%; no homozygotes.

Submission:

Labcorp Genetics (formerly Invitae), Labcorp
Classification: Uncertain significance for Epilepsy, progressive myoclonic, 1B. Last evaluated: 2023-03-20. Review status: criteria provided, single submitter. Criteria: Invitae Variant Classification Sherloc (09022015). Collection method: clinical testing. Allele origin: germline.
Comment: In summary, the available evidence is currently insufficient to determine the role of this variant in disease. Therefore, it has been classified as a Variant of Uncertain Significance. Advanced modeling of protein sequence and biophysical properties (such as structural, functional, and spatial information, amino acid conservation, physicochemical variation, residue mobility, and thermodynamic stability) performed at Invitae indicates that this missense variant is not expected to disrupt PRICKLE1 protein function. This variant has not been reported in the literature in individuals affected with PRICKLE1-related conditions. This variant is present in population databases (rs779783898, gnomAD 0.003%). This sequence change replaces proline, which is neutral and non-polar, with serine, which is neutral and polar, at codon 801 of the PRICKLE1 protein (p.Pro801Ser).

NM_153026.3(PRICKLE1):c.2401C>T (p.Pro801Ser)

Gene: PRICKLE1 (prickle planar cell polarity protein 1; minus strand). Cytogenetic location: 12q12.
Variant type: single nucleotide variant.
Coding change: c.2401C>T on transcript NM_153026.3 (MANE Select); coding-DNA position 2401, C replaced by T.
Protein change: p.Pro801Ser; replaces proline 801 with serine.
Molecular consequence: missense variant.
Genome position (GRCh38, 1-based): chr12:42,459,904, G>A on the plus strand (C>T on the coding strand, the complement: PRICKLE1 is on the minus strand). VCF-style: chr12-42459904-G-A. GRCh37 (hg19) VCF-style: chr12-42853706-G-A.
Other names: c.2401C>T, p.Pro801Ser (NM_001144881.2, NM_001144882.2, NM_001144883.2); short protein forms P801S.
Identifiers: ClinVar variation 2955120 (VCV002955120.3), dbSNP rs779783898, ClinGen allele CA6519602.